The following is an entry in ClinVar:

ClinVar aggregate classification (germline): Uncertain significance (1 of 4 stars; one submission).

Conditions:
Developmental and epileptic encephalopathy, 33 (DEE33). Also called: Epileptic encephalopathy, early infantile, 33. Identifiers: Orphanet 442835, MedGen C4225337, MONDO:0014625, OMIM 616409.

Submission:

Labcorp Genetics (formerly Invitae), Labcorp
Classification: Uncertain significance for Developmental and epileptic encephalopathy, 33. Last evaluated: 2022-02-10. Review status: criteria provided, single submitter. Criteria: Invitae Variant Classification Sherloc (09022015). Collection method: clinical testing. Allele origin: germline.
Comment: In summary, the available evidence is currently insufficient to determine the role of this variant in disease. Therefore, it has been classified as a Variant of Uncertain Significance. Advanced modeling of protein sequence and biophysical properties (such as structural, functional, and spatial information, amino acid conservation, physicochemical variation, residue mobility, and thermodynamic stability) performed at Invitae indicates that this missense variant is expected to disrupt EEF1A2 protein function. This variant has not been reported in the literature in individuals affected with EEF1A2-related conditions. This variant is not present in population databases (gnomAD no frequency). This sequence change replaces glycine, which is neutral and non-polar, with alanine, which is neutral and non-polar, at codon 275 of the EEF1A2 protein (p.Gly275Ala).

NM_001958.5(EEF1A2):c.824G>C (p.Gly275Ala)

Gene: EEF1A2 (eukaryotic translation elongation factor 1 alpha 2; minus strand). Cytogenetic location: 20q13.33.
Variant type: single nucleotide variant.
Coding change: c.824G>C on transcript NM_001958.5 (MANE Select); coding-DNA position 824, G replaced by C.
Protein change: p.Gly275Ala; replaces glycine 275 with alanine.
Molecular consequence: missense variant.
Genome position (GRCh38, 1-based): chr20:63,490,684, C>G on the plus strand (G>C on the coding strand, the complement: EEF1A2 is on the minus strand). VCF-style: chr20-63490684-C-G. GRCh37 (hg19) VCF-style: chr20-62122037-C-G.
Other names: short protein forms G275A.
Identifiers: ClinVar variation 2096107 (VCV002096107.4), dbSNP rs2516775474, ClinGen allele CA409647943.